The following is an entry in ClinVar:

NM_001283009.2(RTEL1):c.2405G>A (p.Arg802Lys)

Genes: RTEL1 (regulator of telomere elongation helicase 1; plus strand), RTEL1-TNFRSF6B (RTEL1-TNFRSF6B readthrough (NMD candidate); plus strand). Cytogenetic location: 20q13.33.
Variant type: single nucleotide variant.
Coding change: c.2405G>A on transcript NM_001283009.2 (MANE Select); coding-DNA position 2405, G replaced by A.
Protein change: p.Arg802Lys; replaces arginine 802 with lysine.
Molecular consequence: missense variant. On other transcripts: non-coding transcript variant (1).
Genome position (GRCh38, 1-based): chr20:63,690,433, G>A. VCF-style: chr20-63690433-G-A. GRCh37 (hg19) VCF-style: chr20-62321786-G-A.
Other names: c.1736G>A, p.Arg579Lys (NM_001283010.1); c.2405G>A, p.Arg802Lys (NM_016434.4); c.2477G>A, p.Arg826Lys (NM_032957.5); short protein forms R826K, R802K, R579K.
Identifiers: ClinVar variation 2169037 (VCV002169037.2), dbSNP rs2090708057, ClinGen allele CA409681242.

ClinVar aggregate classification (germline): Uncertain significance. Review status: criteria provided, multiple submitters, no conflicts (2 of 4 stars). 2 submissions from 2 submitters: Uncertain significance (2). Last evaluated 2025-01-10.

Conditions:
Inborn genetic diseases. Identifiers: MedGen C0950123, MeSH D030342.
Dyskeratosis congenita, autosomal recessive 5 (DKCB5). Identifiers: MedGen C3554656, MONDO:0014076, OMIM 615190.
Pulmonary fibrosis and/or bone marrow failure, Telomere-related, 3. Also called: PULMONARY FIBROSIS AND/OR BONE MARROW FAILURE SYNDROME, TELOMERE-RELATED, 3. Identifiers: Orphanet 2032, MedGen C4225346, MONDO:0014613, OMIM 616373.

Allele frequency attached by ClinVar (database versions not stated): TOPMed below 0.00001.
gnomAD v4.1: 2 of 1,591,812 alleles (0.00013%); highest among the groups gnomAD compares: Non-Finnish European, 0.00017%; no homozygotes.

Submissions (2):

Ambry Genetics
Classification: Uncertain significance for Inborn genetic diseases. Last evaluated: 2025-01-10. Review status: criteria provided, single submitter. Criteria: Ambry Variant Classification Scheme 2023. Collection method: clinical testing. Allele origin: germline.
Comment: The p.R802K variant (also known as c.2405G>A), located in coding exon 25 of the RTEL1 gene, results from a G to A substitution at nucleotide position 2405. The arginine at codon 802 is replaced by lysine, an amino acid with highly similar properties. This amino acid position is conserved. In addition, this alteration is predicted to be tolerated by in silico analysis. Based on the available evidence, the clinical significance of this variant remains unclear.

Labcorp Genetics (formerly Invitae), Labcorp
Classification: Uncertain significance for Dyskeratosis congenita, autosomal recessive 5; Pulmonary fibrosis and/or bone marrow failure, Telomere-related, 3. Last evaluated: 2022-09-02. Review status: criteria provided, single submitter. Criteria: Invitae Variant Classification Sherloc (09022015). Collection method: clinical testing. Allele origin: germline.
Comment: This sequence change replaces arginine, which is basic and polar, with lysine, which is basic and polar, at codon 802 of the RTEL1 protein (p.Arg802Lys). This variant is not present in population databases (gnomAD no frequency). This variant has not been reported in the literature in individuals affected with RTEL1-related conditions. Algorithms developed to predict the effect of missense changes on protein structure and function output the following: SIFT: "Tolerated"; PolyPhen-2: "Benign"; Align-GVGD: "Class C0". The lysine amino acid residue is found in multiple mammalian species, which suggests that this missense change does not adversely affect protein function. In summary, the available evidence is currently insufficient to determine the role of this variant in disease. Therefore, it has been classified as a Variant of Uncertain Significance.